The following is an entry in ClinVar:

NM_000219.6(KCNE1):c.73G>T (p.Gly25Cys)

Gene: KCNE1 (potassium voltage-gated channel subfamily E regulatory subunit 1; minus strand). Cytogenetic location: 21q22.12.
Variant type: single nucleotide variant.
Coding change: c.73G>T on transcript NM_000219.6 (MANE Select); coding-DNA position 73, G replaced by T.
Protein change: p.Gly25Cys; replaces glycine 25 with cysteine.
Molecular consequence: missense variant.
Genome position (GRCh38, 1-based): chr21:34,449,562, C>A on the plus strand (G>T on the coding strand, the complement: KCNE1 is on the minus strand). VCF-style: chr21-34449562-C-A. GRCh37 (hg19) VCF-style: chr21-35821860-C-A.
Other names: c.73G>T, p.Gly25Cys (NM_001127668.4, NM_001127669.4, NM_001127670.4 and 4 more transcripts); short protein forms G25C.
Identifiers: ClinVar variation 3373976 (VCV003373976.2).

Conditions:
Long QT syndrome 5 (LQT5). Identifiers: Orphanet 101016, Orphanet 768, MedGen C1867904, MONDO:0013372, OMIM 613695.

Submission:

Roden Lab, Vanderbilt University Medical Center
No classification provided (evidence only). Condition: Long QT syndrome 5. Review status: no classification provided. Collection method: in vitro. Allele origin: not applicable. Functional consequence: Effect on ion channel function.
ClinVar note: "not provided" was previously submitted as the classification for the variant. However, the classification appeared to be based only on an observation of functional data so it was converted to no classification on 2025-07-30.